The following is an entry in ClinVar:

NM_004329.3(BMPR1A):c.902C>T (p.Ser301Phe)

Gene: BMPR1A (bone morphogenetic protein receptor type 1A; plus strand). Cytogenetic location: 10q23.2.
Variant type: single nucleotide variant.
Coding change: c.902C>T on transcript NM_004329.3 (MANE Select); coding-DNA position 902, C replaced by T.
Protein change: p.Ser301Phe; replaces serine 301 with phenylalanine.
Molecular consequence: missense variant. On other transcripts: non-coding transcript variant (3).
Genome position (GRCh38, 1-based): chr10:86,919,205, C>T. VCF-style: chr10-86919205-C-T. GRCh37 (hg19) VCF-style: chr10-88678962-C-T.
Other names: c.560C>T, p.Ser187Phe (NM_001406589.1); c.977C>T, p.Ser326Phe (NM_001406559.1); c.950C>T, p.Ser317Phe (NM_001406560.1); c.902C>T, p.Ser301Phe (NM_001406561.1, NM_001406562.1, NM_001406563.1 and 19 more transcripts); c.896C>T, p.Ser299Phe (NM_001406583.1); c.818C>T, p.Ser273Phe (NM_001406584.1, NM_001406585.1, NM_001406586.1 and 2 more transcripts); short protein forms S273F, S299F, S317F, S301F, S187F, S326F.
Identifiers: ClinVar variation 4623327 (VCV004623327.1).
Genomic context (GRCh38, chr10:86,919,205, plus strand): 5'-AACCTTTTAAACTCATCAACTGGACAGGTTTCATAGCGGCAGACATTAAAGGTACAGGTT[C>T]CTGGACTCAGCTCTATTTGATTACTGATTACCATGAAAATGGATCTCTCTATGACTTCCT-3'
Protein context (NP_004320.2, residues 291-311): FIAADIKGTG[Ser301Phe]WTQLYLITDY

ClinVar aggregate classification (germline): Uncertain significance (1 of 4 stars; one submission).

Conditions:
Hereditary cancer-predisposing syndrome. Also called: Neoplastic Syndromes, Hereditary; Tumor predisposition; Hereditary Cancer Syndrome; Hereditary neoplastic syndrome. Identifiers: Orphanet 140162, MedGen C0027672, MeSH D009386, MONDO:0015356.

Submission:

Ambry Genetics
Classification: Uncertain significance for Hereditary cancer-predisposing syndrome. Last evaluated: 2025-10-11. Review status: criteria provided, single submitter. Criteria: Ambry Variant Classification Scheme 2023. Collection method: clinical testing. Allele origin: germline.
Comment: The p.S301F variant (also known as c.902C>T), located in coding exon 8 of the BMPR1A gene, results from a C to T substitution at nucleotide position 902. The serine at codon 301 is replaced by phenylalanine, an amino acid with highly dissimilar properties. This amino acid position is conserved. In addition, the in silico prediction for this alteration is inconclusive. Based on the available evidence, the clinical significance of this variant remains unclear.